The following is an entry in ClinVar:

ClinVar aggregate classification (germline): Uncertain significance (1 of 4 stars; one submission).

Conditions:
Encephalopathy, acute, infection-induced (herpes-specific), susceptibility to, 1. Also called: Herpes simplex encephalitis, susceptibility to, 1. Identifiers: Orphanet 1930, MedGen C2750180, MONDO:0024563, OMIM 610551.

gnomAD v4.1: 9 of 1,613,960 alleles (0.00056%); highest among the groups gnomAD compares: Non-Finnish European, 0.00076%; no homozygotes.

Submission:

Labcorp Genetics (formerly Invitae), Labcorp
Classification: Uncertain significance for Encephalopathy, acute, infection-induced (herpes-specific), susceptibility to, 1. Last evaluated: 2022-12-02. Review status: criteria provided, single submitter. Criteria: Invitae Variant Classification Sherloc (09022015). Collection method: clinical testing. Allele origin: germline.
Comment: This variant is present in population databases (no rsID available, gnomAD 0.01%). This sequence change replaces glutamine, which is neutral and polar, with lysine, which is basic and polar, at codon 753 of the TLR3 protein (p.Gln753Lys). This variant has not been reported in the literature in individuals affected with TLR3-related conditions. In summary, the available evidence is currently insufficient to determine the role of this variant in disease. Therefore, it has been classified as a Variant of Uncertain Significance. Algorithms developed to predict the effect of missense changes on protein structure and function output the following: SIFT: "Tolerated"; PolyPhen-2: "Benign"; Align-GVGD: "Class C0". The lysine amino acid residue is found in multiple mammalian species, which suggests that this missense change does not adversely affect protein function.

NM_003265.3(TLR3):c.2257C>A (p.Gln753Lys)

Gene: TLR3 (toll like receptor 3; plus strand). Cytogenetic location: 4q35.1.
Variant type: single nucleotide variant.
Coding change: c.2257C>A on transcript NM_003265.3 (MANE Select); coding-DNA position 2257, C replaced by A.
Protein change: p.Gln753Lys; replaces glutamine 753 with lysine.
Molecular consequence: missense variant.
Genome position (GRCh38, 1-based): chr4:186,083,943, C>A. VCF-style: chr4-186083943-C-A. GRCh37 (hg19) VCF-style: chr4-187005097-C-A.
Other names: short protein forms Q753K.
Identifiers: ClinVar variation 2907203 (VCV002907203.3), dbSNP rs1266773017, ClinGen allele CA358935964.
Genomic context (GRCh38, chr4:186,083,943, plus strand): 5'-TATTGGAATGTTTCAGTACATCGAGTTCTTGGTTTCAAAGAAATAGACAGACAGACAGAA[C>A]AGTTTGAATATGCAGCATATATAATTCATGCCTATAAAGATAAGGATTGGGTCTGGGAAC-3'
Protein context (NP_003256.1, residues 743-763): GFKEIDRQTE[Gln753Lys]FEYAAYIIHA